The following is an entry in ClinVar:

ClinVar aggregate classification (germline): Pathogenic (1 of 4 stars; one submission).

Conditions:
Early-infantile DEE. Also called: Ohtahara syndrome; Early infantile epileptic encephalopathy with suppression bursts; Early infantile epileptic encephalopathy. Identifiers: Orphanet 1934, MedGen C0393706, MONDO:0800491.

Submission:

Labcorp Genetics (formerly Invitae), Labcorp
Classification: Pathogenic for Early-infantile DEE. Last evaluated: 2024-10-24. Review status: criteria provided, single submitter. Criteria: Invitae Variant Classification Sherloc (09022015). Collection method: clinical testing. Allele origin: germline.
Comment: This sequence change creates a premature translational stop signal (p.Pro167Thrfs*6) in the KCNQ2 gene. It is expected to result in an absent or disrupted protein product. Loss-of-function variants in KCNQ2 are known to be pathogenic (PMID: 14534157, 23692823, 27779742). This variant is not present in population databases (gnomAD no frequency). This variant has not been reported in the literature in individuals affected with KCNQ2-related conditions. For these reasons, this variant has been classified as Pathogenic.

Literature cited by the submitters: PubMed 14534157; PubMed 23692823; PubMed 27779742.

NM_172107.4(KCNQ2):c.498dup (p.Pro167fs)

Gene: KCNQ2 (potassium voltage-gated channel subfamily Q member 2; minus strand). Cytogenetic location: 20q13.33.
Variant type: Duplication.
Coding change: c.498dup on transcript NM_172107.4 (MANE Select); coding-DNA position 498, one base duplicated (A; older notation c.498dupA).
Protein change: p.Pro167fs; shifts the reading frame from proline 167.
Molecular consequence: frameshift variant.
Genome position (GRCh38, 1-based): chr20:63,445,254, T duplicated on the plus strand (A on the coding strand, the reverse complement: KCNQ2 is on the minus strand); the first of 3 consecutive T bases (chr20:63,445,254-63,445,256); duplicating any one gives the same sequence. VCF-style (leftmost placement, unchanged base first): chr20-63445253-G-GT. GRCh37 (hg19) VCF-style: chr20-62076606-G-GT.
Other names: c.498dup, p.Pro167fs (NM_001382235.1, NM_004518.6, NM_172106.3 and 2 more transcripts); short protein forms P167fs.
Identifiers: ClinVar variation 3723715 (VCV003723715.2).